The following is an entry in ClinVar:

ClinVar aggregate classification (germline): Uncertain significance (1 of 4 stars; one submission).

Conditions:
Cardiovascular phenotype. Identifiers: MedGen CN230736.

Submission:

Ambry Genetics
Classification: Uncertain significance for Cardiovascular phenotype. Last evaluated: 2025-02-14. Review status: criteria provided, single submitter. Criteria: Ambry Variant Classification Scheme 2023. Collection method: clinical testing. Allele origin: germline.
Comment: The p.W286* variant (also known as c.857G>A), located in coding exon 6 of the ABCC9 gene, results from a G to A substitution at nucleotide position 857. This changes the amino acid from a tryptophan to a stop codon within coding exon 6. This alteration is expected to result in loss of function by premature protein truncation or nonsense-mediated mRNA decay. Although biallelic loss of function of ABCC9 has been associated with autosomal recessive ABCC9-related neurodevelopmental myopathy syndrome, haploinsufficiency of ABCC9 has not been established as a mechanism of disease for autosomal dominant ABCC9-related Cant&uacute; syndrome. Based on the supporting evidence, this variant is expected to be causative of ABCC9-related neurodevelopmental myopathy syndrome when present along with a second pathogenic variant on the other allele; however, its clinical significance for ABCC9-related Cant&uacute; syndrome is unclear.

NM_020297.4(ABCC9):c.857G>A (p.Trp286Ter)

Gene: ABCC9 (ATP binding cassette subfamily C member 9; minus strand). Cytogenetic location: 12p12.1.
Variant type: single nucleotide variant.
Coding change: c.857G>A on transcript NM_020297.4 (MANE Select); coding-DNA position 857, G replaced by A.
Protein change: p.Trp286Ter; replaces tryptophan 286 with a stop codon.
Molecular consequence: nonsense. On other transcripts: 5 prime UTR variant (1).
Genome position (GRCh38, 1-based): chr12:21,913,026, C>T on the plus strand (G>A on the coding strand, the complement: ABCC9 is on the minus strand). VCF-style: chr12-21913026-C-T. GRCh37 (hg19) VCF-style: chr12-22065960-C-T.
Other names: c.857G>A, p.Trp286Ter (NM_001377273.1, NM_005691.4); c.-8G>A (NM_001377274.1); short protein forms W286*.
Identifiers: ClinVar variation 3879639 (VCV003879639.1).